The following is an entry in ClinVar:

NM_000930.5(PLAT):c.490C>T (p.Arg164Trp)

Gene: PLAT (plasminogen activator, tissue type; minus strand). Cytogenetic location: 8p11.21.
Variant type: single nucleotide variant.
Coding change: c.490C>T on transcript NM_000930.5 (MANE Select); coding-DNA position 490, C replaced by T.
Protein change: p.Arg164Trp; replaces arginine 164 with tryptophan.
Molecular consequence: missense variant. On other transcripts: intron variant (1).
Genome position (GRCh38, 1-based): chr8:42,187,447, G>A on the plus strand (C>T on the coding strand, the complement: PLAT is on the minus strand). VCF-style: chr8-42187447-G-A. GRCh37 (hg19) VCF-style: chr8-42044965-G-A.
Other names: p.Arg164Trp; c.352C>T, p.Arg118Trp (NM_033011.4); c.364+459C>T (NM_001319189.2); short protein forms R118W, R164W.
Identifiers: ClinVar variation 4683339 (VCV004683339.1).

ClinVar aggregate classification (germline): Benign (1 of 4 stars; one submission).

gnomAD v4.1: 29,930 of 1,603,474 alleles (1.9%); highest among the groups gnomAD compares: Non-Finnish European, 2.3%; 344 homozygotes.

Submission:

Mayo Clinic Laboratories, Mayo Clinic
Classification: Benign. Last evaluated: 2025-05-23. Review status: criteria provided, single submitter. Criteria: ACMG Guidelines, 2015. Collection method: clinical testing. Allele origin: germline. Observed: 8 variant alleles.
Comment: BS1, BS2, BP4, PM1

Literature cited by the submitters: PubMed 24578379.